The following is an entry in ClinVar:

NM_020207.7(ERCC6L2):c.449T>C (p.Met150Thr)

Gene: ERCC6L2 (ERCC excision repair 6 like 2; plus strand). Cytogenetic location: 9q22.32.
Variant type: single nucleotide variant.
Coding change: c.449T>C on transcript NM_020207.7 (MANE Select); coding-DNA position 449, T replaced by C.
Protein change: p.Met150Thr; replaces methionine 150 with threonine.
Molecular consequence: missense variant. On other transcripts: non-coding transcript variant (1).
Genome position (GRCh38, 1-based): chr9:95,881,271, T>C. VCF-style: chr9-95881271-T-C. GRCh37 (hg19) VCF-style: chr9-98643553-T-C.
Other names: c.449T>C, p.Met150Thr (NM_001010895.4, NM_001375291.1, NM_001375292.1 and 2 more transcripts); short protein forms M150T.
Identifiers: ClinVar variation 1005426 (VCV001005426.9), dbSNP rs1827577321, ClinGen allele CA374117808.

ClinVar aggregate classification (germline): Uncertain significance. Review status: criteria provided, multiple submitters, no conflicts (2 of 4 stars). 2 submissions from 2 submitters: Uncertain significance (2). Last evaluated 2025-10-28.

Conditions:
Inborn genetic diseases. Identifiers: MedGen C0950123, MeSH D030342.

Submissions (2):

Ambry Genetics
Classification: Uncertain significance for Inborn genetic diseases. Last evaluated: 2025-10-28. Review status: criteria provided, single submitter. Criteria: Ambry Variant Classification Scheme 2023. Collection method: clinical testing. Allele origin: germline.
Comment: The p.M150T variant (also known as c.449T>C), located in coding exon 2 of the ERCC6L2 gene, results from a T to C substitution at nucleotide position 449. The methionine at codon 150 is replaced by threonine, an amino acid with similar properties. This amino acid position is conserved. In addition, this alteration is predicted to be deleterious by in silico analysis. Based on the available evidence, the clinical significance of this variant remains unclear.

Labcorp Genetics (formerly Invitae), Labcorp
Classification: Uncertain significance. Last evaluated: 2022-08-19. Review status: criteria provided, single submitter. Criteria: Invitae Variant Classification Sherloc (09022015). Collection method: clinical testing. Allele origin: germline.
Comment: In summary, the available evidence is currently insufficient to determine the role of this variant in disease. Therefore, it has been classified as a Variant of Uncertain Significance. Algorithms developed to predict the effect of missense changes on protein structure and function are either unavailable or do not agree on the potential impact of this missense change (SIFT: "Tolerated"; PolyPhen-2: "Not Available"; Align-GVGD: "Class C0"). ClinVar contains an entry for this variant (Variation ID: 1005426). This variant has not been reported in the literature in individuals affected with ERCC6L2-related conditions. This variant is not present in population databases (gnomAD no frequency). This sequence change replaces methionine, which is neutral and non-polar, with threonine, which is neutral and polar, at codon 161 of the ERCC6L2 protein (p.Met161Thr).